The following is an entry in ClinVar:

NM_198252.3(GSN):c.2137del (p.Asp713fs)

Gene: GSN (gelsolin; plus strand). Cytogenetic location: 9q33.2.
Variant type: Deletion.
Coding change: c.2137del on transcript NM_198252.3 (MANE Select); coding-DNA position 2137, one base deleted (G; older notation c.2137delG).
Protein change: p.Asp713fs; shifts the reading frame from aspartic acid 713.
Molecular consequence: frameshift variant.
Genome position (GRCh38, 1-based): chr9:121,332,544, G deleted; the last of 3 consecutive G bases (chr9:121,332,542-121,332,544); deleting any one gives the same sequence. VCF-style (leftmost placement, unchanged base first): chr9-121332541-TG-T. GRCh37 (hg19) VCF-style: chr9-124094819-TG-T.
Other names: c.2290del, p.Asp764fs (NM_000177.5); c.2137del, p.Asp713fs (NM_001127662.2, NM_001127664.2, NM_001127665.2 and 10 more transcripts); c.2245del, p.Asp749fs (NM_001127663.2); c.2170del, p.Asp724fs (NM_001127666.2, NM_001127667.2, NM_001353063.2 and 13 more transcripts); c.2188del, p.Asp730fs (NM_001258029.2); c.2161del, p.Asp721fs (NM_001258030.2); c.2209del, p.Asp737fs (NM_001353076.2); c.1483del, p.Asp495fs (NM_001353078.2); short protein forms D764fs, D713fs, D749fs, D724fs, D495fs, D721fs, D730fs, D737fs.
Identifiers: ClinVar variation 1374756 (VCV001374756.7), dbSNP rs750858951, ClinGen allele CA5221544.

ClinVar aggregate classification (germline): Uncertain significance. Review status: criteria provided, multiple submitters, no conflicts (2 of 4 stars). 2 submissions from 2 submitters: Uncertain significance (2). Last evaluated 2022-02-24.

Conditions:
Finnish type amyloidosis. Also called: Amyloidosis, familial, Finnish type; Meretoja type amyloidosis; Amyloidosis 5; AMYLOIDOSIS, HEREDITARY SYSTEMIC 4, FINNISH TYPE; AMYLOID CRANIAL NEUROPATHY WITH LATTICE CORNEAL DYSTROPHY; AMYLOIDOSIS DUE TO MUTANT GELSOLIN. Identifiers: Orphanet 85448, MedGen C1622345, MONDO:0007097, OMIM 105120.

Submissions (2):

Labcorp Genetics (formerly Invitae), Labcorp
Classification: Uncertain significance. Last evaluated: 2022-02-24. Review status: criteria provided, single submitter. Criteria: Invitae Variant Classification Sherloc (09022015). Collection method: clinical testing. Allele origin: germline.
Comment: This sequence change results in a frameshift in the GSN gene (p.Asp764Metfs*83). While this is not anticipated to result in nonsense mediated decay, it is expected to disrupt the last 19 amino acid(s) of the GSN protein and extend the protein by 63 additional amino acid residues. This variant is present in population databases (rs750858951, gnomAD 0.002%). This variant has not been reported in the literature in individuals affected with GSN-related conditions. Experimental studies and prediction algorithms are not available or were not evaluated, and the functional significance of this variant is currently unknown. In summary, the available evidence is currently insufficient to determine the role of this variant in disease. Therefore, it has been classified as a Variant of Uncertain Significance.

Fulgent Genetics
Classification: Uncertain significance for Finnish type amyloidosis. Last evaluated: 2021-07-13. Review status: criteria provided, single submitter. Criteria: ACMG Guidelines, 2015. Collection method: clinical testing. Allele origin: unknown.